The following is an entry in ClinVar:

ClinVar aggregate classification (germline): Uncertain significance. Review status: criteria provided, multiple submitters, no conflicts (2 of 4 stars). 4 submissions from 4 submitters: Uncertain significance (3). 1 of the submissions does not count toward it. Last evaluated 2024-07-09.

Conditions:
Inborn genetic diseases. Identifiers: MedGen C0950123, MeSH D030342.
Charcot-Marie-Tooth disease type 4D. Also called: CHARCOT-MARIE-TOOTH DISEASE, DEMYELINATING, AUTOSOMAL RECESSIVE, TYPE 4D; NEUROPATHY, HEREDITARY MOTOR AND SENSORY, LOM TYPE; Charcot-Marie-Tooth Neuropathy Type 4D; CHARCOT-MARIE-TOOTH DISEASE, DEMYELINATING, TYPE 4D. Identifiers: Orphanet 99950, MedGen C1832334, MONDO:0011085, OMIM 601455.
Charcot-Marie-Tooth disease type 4. Also called: Charcot-Marie-Tooth, Type 4; Charcot-Marie-Tooth disease, type IV. Identifiers: Orphanet 64749, MedGen C4082197, MONDO:0018995.

Allele frequency attached by ClinVar (database versions not stated): gnomAD 0.00001; TOPMed 0.00001; ExAC 0.00002; gnomAD exomes 0.00002 and 0.00003; 1000 Genomes Project 0.00020; 1000 Genomes Project 30x 0.00031.
gnomAD v4.1: 45 of 1,596,904 alleles (0.0028%); highest among the groups gnomAD compares: Non-Finnish European, 0.0034%; no homozygotes.

Submissions (4):

Ambry Genetics
Classification: Uncertain significance for Inborn genetic diseases. Last evaluated: 2024-07-09. Review status: criteria provided, single submitter. Criteria: Ambry Variant Classification Scheme 2023. Collection method: clinical testing. Allele origin: germline.

Labcorp Genetics (formerly Invitae), Labcorp
Classification: Uncertain significance for Charcot-Marie-Tooth disease type 4. Last evaluated: 2022-07-19. Review status: criteria provided, single submitter. Criteria: Invitae Variant Classification Sherloc (09022015). Collection method: clinical testing. Allele origin: germline.
Comment: This sequence change replaces arginine, which is basic and polar, with histidine, which is basic and polar, at codon 343 of the NDRG1 protein (p.Arg343His). The frequency data for this variant in the population databases is considered unreliable, as metrics indicate poor data quality at this position in the gnomAD database. This variant has not been reported in the literature in individuals affected with NDRG1-related conditions. ClinVar contains an entry for this variant (Variation ID: 362030). Algorithms developed to predict the effect of missense changes on protein structure and function are either unavailable or do not agree on the potential impact of this missense change (SIFT: "Deleterious"; PolyPhen-2: "Possibly Damaging"; Align-GVGD: "Class C0"). In summary, the available evidence is currently insufficient to determine the role of this variant in disease. Therefore, it has been classified as a Variant of Uncertain Significance.

Illumina Laboratory Services, Illumina
Classification: Uncertain significance for Charcot-Marie-Tooth disease type 4D. Last evaluated: 2018-01-13. Review status: criteria provided, single submitter. Criteria: ICSL Variant Classification Criteria 13 December 2019. Collection method: clinical testing. Allele origin: germline.

Natera, Inc.
Classification: Uncertain significance for Charcot-Marie-Tooth disease type 4D. Last evaluated: 2021-06-21. Review status: no assertion criteria provided. Collection method: clinical testing. Allele origin: germline. Not counted in ClinVar's aggregate classification.

NM_006096.4(NDRG1):c.1028G>A (p.Arg343His)

Gene: NDRG1 (N-myc downstream regulated 1; minus strand). Cytogenetic location: 8q24.22.
Variant type: single nucleotide variant.
Coding change: c.1028G>A on transcript NM_006096.4 (MANE Select); coding-DNA position 1028, G replaced by A.
Protein change: p.Arg343His; replaces arginine 343 with histidine.
Molecular consequence: missense variant.
Genome position (GRCh38, 1-based): chr8:133,239,035, C>T on the plus strand (G>A on the coding strand, the complement: NDRG1 is on the minus strand). VCF-style: chr8-133239035-C-T. GRCh37 (hg19) VCF-style: chr8-134251278-C-T.
Other names: c.1028G>A, p.Arg343His (NM_001135242.2, NM_001374845.1, NM_001374846.1); c.830G>A, p.Arg277His (NM_001258432.2, NM_001374847.1); c.785G>A, p.Arg262His (NM_001258433.2); c.1079G>A, p.Arg360His (NM_001374844.1); short protein forms R343H, R262H, R277H, R360H.
Identifiers: ClinVar variation 362030 (VCV000362030.10), dbSNP rs144714216, ClinGen allele CA4886441.
Genomic context (GRCh38, chr8:133,239,035, plus strand): 5'-CGGCTGCGGGTGCCCTCGCTGGTGTGGGAGCGGCTTCGGGTGCCCTCGCTGGTGTGGGAG[C>T]GGCTGCGGGTGCCATCCAGAGAAGTGACGCTGGAACCAGAGGCTGTGCGGGACCGCATCA-3'
Protein context (NP_006087.2, residues 333-353): SVTSLDGTRS[Arg343His]SHTSEGTRSR